The following is an entry in ClinVar:

ClinVar aggregate classification (germline): Uncertain significance (1 of 4 stars; one submission).

Conditions:
Intellectual disability, autosomal recessive 53 (NEDHSCA). Also called: GLYCOSYLPHOSPHATIDYLINOSITOL BIOSYNTHESIS DEFECT 13; Mental retardation, autosomal recessive 53; NEURODEVELOPMENTAL DISORDER WITH OR WITHOUT HYPOTONIA, SEIZURES, AND CEREBELLAR ATROPHY. Identifiers: Orphanet 488635, MedGen C4310794, MONDO:0014832, OMIM 616917.

Submission:

Labcorp Genetics (formerly Invitae), Labcorp
Classification: Uncertain significance for Intellectual disability, autosomal recessive 53. Last evaluated: 2025-02-02. Review status: criteria provided, single submitter. Criteria: Invitae Variant Classification Sherloc (09022015). Collection method: clinical testing. Allele origin: germline.
Comment: This sequence change affects an acceptor splice site in intron 12 of the PIGG gene. While this variant is not anticipated to result in nonsense mediated decay, it likely alters RNA splicing and results in a disrupted protein product. This variant is not present in population databases (gnomAD no frequency). This variant has not been reported in the literature in individuals affected with PIGG-related conditions. Variants that disrupt the consensus splice site are a relatively common cause of aberrant splicing (PMID: 17576681, 9536098). Algorithms developed to predict the effect of sequence changes on RNA splicing suggest that this variant may disrupt the consensus splice site. In summary, the available evidence is currently insufficient to determine the role of this variant in disease. Therefore, it has been classified as a Variant of Uncertain Significance.

Literature cited by the submitters: PubMed 17576681; PubMed 9536098.

NM_001127178.3(PIGG):c.2736-2A>G

Gene: PIGG (phosphatidylinositol glycan anchor biosynthesis class G (EMM blood group); plus strand). Cytogenetic location: 4p16.3.
Variant type: single nucleotide variant.
Coding change: c.2736-2A>G on transcript NM_001127178.3 (MANE Select); the canonical splice acceptor site of the intron before coding-DNA position 2736, A replaced by G.
Molecular consequence: splice acceptor variant.
Genome position (GRCh38, 1-based): chr4:539,151, A>G. VCF-style: chr4-539151-A-G. GRCh37 (hg19) VCF-style: chr4-532940-A-G.
Other names: c.1638-2A>G (NM_001345994.2); c.2469-2A>G (NM_001345986.2, NM_001289051.2); c.2445-2A>G (NM_001345987.2); c.1203-2A>G (NM_001345991.2, NM_001345990.2); c.1707-2A>G (NM_001345988.2); c.2712-2A>G (NM_017733.5); c.2337-2A>G (NM_001289052.2).
Identifiers: ClinVar variation 3620970 (VCV003620970.2).
Genomic context (GRCh38, chr4:539,151, plus strand): 5'-GTTGTTACATGTGTGATATGTAAGTGGCATGTGCTAATACACATTTTCTTTCTTATTAAC[A>G]GTGGTTCAGCACTGAGTCATGCTTGCTTCTGCTACGCACTGATTTGTTCTATTCCAGTTT-3'